The following is an entry in ClinVar:

ClinVar aggregate classification (germline): Uncertain significance (1 of 4 stars; one submission).

Conditions:
Hereditary cancer-predisposing syndrome. Also called: Tumor predisposition; Neoplastic Syndromes, Hereditary; Hereditary Cancer Syndrome; Hereditary neoplastic syndrome. Identifiers: Orphanet 140162, MedGen C0027672, MeSH D009386, MONDO:0015356.

Submission:

Ambry Genetics
Classification: Uncertain significance for Hereditary cancer-predisposing syndrome. Last evaluated: 2025-02-04. Review status: criteria provided, single submitter. Criteria: Ambry Variant Classification Scheme 2023. Collection method: clinical testing. Allele origin: germline.
Comment: The c.885+4A>G intronic variant results from an A to G substitution 4 nucleotides after coding exon 9 in the NF2 gene. This nucleotide position is well conserved in available vertebrate species. In silico splice site analysis predicts that this alteration will not have any significant effect on splicing. Based on the available evidence, the clinical significance of this variant remains unclear.

NM_000268.4(NF2):c.885+4A>G

Gene: NF2 (NF2, moesin-ezrin-radixin like (MERLIN) tumor suppressor; plus strand). Cytogenetic location: 22q12.2.
Variant type: single nucleotide variant.
Coding change: c.885+4A>G on transcript NM_000268.4 (MANE Select); 4 bases into the intron after coding-DNA position 885, A replaced by G.
Molecular consequence: intron variant.
Genome position (GRCh38, 1-based): chr22:29,665,068, A>G. VCF-style: chr22-29665068-A-G. GRCh37 (hg19) VCF-style: chr22-30061057-A-G.
Other names: c.885+4A>G (NM_016418.5, NM_181832.3, NM_001407060.1 and 2 more transcripts); c.771+4A>G (NM_001407056.1, NM_001407053.1); c.654+4A>G (NM_001407067.1); c.351+4A>G (NM_001407065.1); c.750+4A>G (NM_001407059.1, NM_001407057.1); c.447+22783A>G (NM_181833.3); c.762+4A>G (NM_001407058.1, NM_181829.3, NM_001407054.1); c.627+4A>G (NM_001407062.1); and 2 more.
Identifiers: ClinVar variation 3879172 (VCV003879172.1).
Genomic context (GRCh38, chr22:29,665,068, plus strand): 5'-GATAAGAAAATTGATGTCTTCAAGTTTAACTCCTCAAAGCTTCGTGTTAATAAGCTGGTA[A>G]GTTGAGATCCTGGTTTTCATTACTGATAATGGTAGCTTTTCTGAGAATTGAATACTTCTT-3'